The following is an entry in ClinVar:

NM_017654.4(SAMD9):c.4109del (p.Thr1370fs)

Gene: SAMD9 (sterile alpha motif domain containing 9; minus strand). Cytogenetic location: 7q21.2.
Variant type: Deletion.
Coding change: c.4109del on transcript NM_017654.4 (MANE Select); coding-DNA position 4109, one base deleted (C; older notation c.4109delC).
Protein change: p.Thr1370fs; shifts the reading frame from threonine 1370.
Molecular consequence: frameshift variant.
Genome position (GRCh38, 1-based): chr7:93,101,989, G deleted on the plus strand (C on the coding strand, the reverse complement: SAMD9 is on the minus strand). VCF-style (leftmost placement, unchanged base first): chr7-93101988-AG-A. GRCh37 (hg19) VCF-style: chr7-92731301-AG-A.
Other names: c.4109del, p.Thr1370fs (NM_001193307.2); c.4109delC (NM_017654.4); short protein forms T1370fs.
Identifiers: ClinVar variation 1414555 (VCV001414555.11), dbSNP rs779349886, ClinGen allele CA4342593.

ClinVar aggregate classification (germline): Uncertain significance. Review status: criteria provided, multiple submitters, no conflicts (2 of 4 stars). 5 submissions from 5 submitters: Uncertain significance (5). Last evaluated 2025-12-23.

Conditions:
SAMD9-related disorder. Also called: SAMD9-related condition.
MIRAGE syndrome. Also called: MYELODYSPLASIA, INFECTION, RESTRICTION OF GROWTH, ADRENAL HYPOPLASIA, GENITAL PHENOTYPES, AND ENTEROPATHY. Identifiers: Orphanet 494433, MedGen C4284088, MONDO:0014888, OMIM 617053.

Allele frequency attached by ClinVar (database versions not stated): gnomAD below 0.00001 and 0.00002; TOPMed 0.00002; gnomAD exomes 0.00007 and 0.00012; ExAC 0.00012.

Submissions (5):

Labcorp Genetics (formerly Invitae), Labcorp
Classification: Uncertain significance. Last evaluated: 2025-12-23. Review status: criteria provided, single submitter. Criteria: Invitae Variant Classification Sherloc (09022015). Collection method: clinical testing. Allele origin: germline.
Comment: This sequence change creates a premature translational stop signal (p.Thr1370Ilefs*4) in the SAMD9 gene. While this is not anticipated to result in nonsense mediated decay, it is expected to disrupt the last 220 amino acid(s) of the SAMD9 protein. This variant is present in population databases (rs779349886, gnomAD 0.07%). This premature translational stop signal has been observed in individual(s) with myelodysplasia (PMID: 30322869). ClinVar contains an entry for this variant (Variation ID: 1414555). In summary, the available evidence is currently insufficient to determine the role of this variant in disease. Therefore, it has been classified as a Variant of Uncertain Significance.

GeneDx
Classification: Uncertain significance. Last evaluated: 2024-09-10. Review status: criteria provided, single submitter. Criteria: GeneDx Variant Classification Process June 2021. Collection method: clinical testing. Allele origin: germline. Affected: yes.
Comment: Frameshift variant predicted to result in abnormal protein length as the last 220 amino acids are replaced with 3 different amino acids with an unclear effect on protein function; Observed in an individual with acute myeloid leukemia (PMID: 30322869); This variant is associated with the following publications: (PMID: 30322869)

Women's Health and Genetics/Laboratory Corporation of America, LabCorp
Classification: Uncertain significance. Last evaluated: 2024-08-21. Review status: criteria provided, single submitter. Criteria: LabCorp Variant Classification Summary - May 2015. Collection method: clinical testing. Allele origin: germline.
Comment: Variant summary: SAMD9 c.4109delC (p.Thr1370IlefsX4) results in a premature termination codon and is predicted to cause a truncation of the encoded protein, but is not expected to result in an absence of protein due to nonsense mediated decay. The variant allele was found at a frequency of 0.00012 in 251072 control chromosomes. This frequency is not significantly higher than estimated for a pathogenic variant in SAMD9 causing Monosomy 7 Myelodysplasia And Leukemia Syndrome 2, allowing no conclusion about variant significance. c.4109delC has been reported in the literature in an individual affected with secondary acute myeloid leukemia, however germline DNA was not available for testing (Nagata_2018). These report(s) do not provide unequivocal conclusions about association of the variant with Monosomy 7 Myelodysplasia And Leukemia Syndrome 2. To our knowledge, no experimental evidence demonstrating an impact on protein function has been reported. The following publication has been ascertained in the context of this evaluation (PMID: 30322869). ClinVar contains an entry for this variant (Variation ID: 1414555). Based on the evidence outlined above, the variant was classified as uncertain significance.

PreventionGenetics, part of Exact Sciences
Classification: Uncertain significance for SAMD9-related condition. Last evaluated: 2023-01-30. Review status: criteria provided, single submitter. Criteria: ACMG Guidelines, 2015. Collection method: clinical testing. Allele origin: germline.
Comment: The SAMD9 c.4109delC variant is predicted to result in a frameshift and premature protein termination (p.Thr1370Ilefs*4). This variant was reported in an individual with secondary acute myeloid leukemia. However, whether the variant was inherited or somatically-acquired was not determined (UPN_ADD7, Supplementary Table 4, Nagata et al 2018. PubMed ID: 30322869). This variant is reported in 0.069% of alleles in individuals of South Asian descent in gnomAD, which is higher than expected for a pathogenic variant. This variant is also interpreted as uncertain in ClinVar. At this time, the clinical significance of this variant is uncertain due to the absence of conclusive functional and genetic evidence.

Victorian Clinical Genetics Services, Murdoch Childrens Research Institute
Classification: Uncertain significance for MIRAGE syndrome. Last evaluated: 2022-02-02. Review status: criteria provided, single submitter. Criteria: ACMG Guidelines, 2015. Collection method: clinical testing. Allele origin: germline.
Comment: Based on the classification scheme VCGS_Germline_v1.3.4, this variant is classified as VUS-3B. Following criteria are met: 0103 - Loss of function and gain of function are known mechanisms of disease in this gene and are associated with MIRAGE syndrome (MIM#617053), monosomy 7 myelodysplasia and leukemia syndrome 2 (MIM#619041) and familial normophosphatemic tumoral calcinosis (MIM#610455) (OMIM, PMIDs: 33427306; 18094730; 16960814). (I) 0108 - This gene is associated with both recessive and dominant disease (OMIM). (I) 0205 - Variant is predicted to result in a truncated protein (premature termination codon is NOT located at least 54 nucleotides upstream of the final exon-exon junction) with less than 1/3 of the protein sequence affected. (SP) 0251 - This variant is heterozygous. (I) 0304 - Variant is present in gnomAD <0.01 for a recessive condition (v2) (32 heterozygotes, 0 homozygote). (SP) 0705 - No comparable premature termination codon variants have previous evidence for pathogenicity. (I) 0807 - This variant has no previous evidence of pathogenicity. It has been reported once as a somatic variant in a patient with myelodysplastic syndrome (PMID: 30322869). (I) 0905 - No published segregation evidence has been identified for this variant. (I) 1007 - No published functional evidence has been identified for this variant. (I) Legend: (SP) - Supporting pathogenic, (I) - Information, (SB) - Supporting benign

Literature cited by the submitters: PubMed 30322869 (cited by 3 submitters); PubMed 16960814 (cited by Victorian Clinical Genetics Services, Murdoch Childrens Research Institute); PubMed 18094730 (cited by Victorian Clinical Genetics Services, Murdoch Childrens Research Institute); PubMed 33427306 (cited by Victorian Clinical Genetics Services, Murdoch Childrens Research Institute).